The following is an entry in ClinVar:

ClinVar aggregate classification (germline): Uncertain significance (1 of 4 stars; one submission).

Conditions:
Hereditary cancer-predisposing syndrome. Also called: Hereditary Cancer Syndrome; Hereditary neoplastic syndrome; Neoplastic Syndromes, Hereditary; Tumor predisposition. Identifiers: Orphanet 140162, MedGen C0027672, MeSH D009386, MONDO:0015356.

Submission:

Ambry Genetics
Classification: Uncertain significance for Hereditary cancer-predisposing syndrome. Last evaluated: 2020-03-02. Review status: criteria provided, single submitter. Criteria: Ambry Variant Classification Scheme 2023. Collection method: clinical testing. Allele origin: germline.
Comment: The p.S1995T variant (also known as c.5983T>A), located in coding exon 15 of the APC gene, results from a T to A substitution at nucleotide position 5983. The serine at codon 1995 is replaced by threonine, an amino acid with similar properties. This amino acid position is not well conserved in available vertebrate species. In addition, in silico predictors for this gene do not accurately predict pathogenicity. Since supporting evidence is limited at this time, the clinical significance of this alteration remains unclear.

NM_000038.6(APC):c.5983T>A (p.Ser1995Thr)

Gene: APC (APC regulator of Wnt signaling pathway; plus strand). Cytogenetic location: 5q22.2.
Variant type: single nucleotide variant.
Coding change: c.5983T>A on transcript NM_000038.6 (MANE Select); coding-DNA position 5983, T replaced by A.
Protein change: p.Ser1995Thr; replaces serine 1995 with threonine.
Molecular consequence: missense variant.
Genome position (GRCh38, 1-based): chr5:112,841,577, T>A. VCF-style: chr5-112841577-T-A. GRCh37 (hg19) VCF-style: chr5-112177274-T-A.
Other names: c.5983T>A, p.Ser1995Thr (NM_001127510.3, NM_001354895.2, NM_001407450.1); c.5929T>A, p.Ser1977Thr (NM_001127511.3); c.6037T>A, p.Ser2013Thr (NM_001354896.2, NM_001407447.1, NM_001407448.1 and 1 more transcripts); c.6013T>A, p.Ser2005Thr (NM_001354897.2); c.5908T>A, p.Ser1970Thr (NM_001354898.2); c.5899T>A, p.Ser1967Thr (NM_001354899.2); c.5860T>A, p.Ser1954Thr (NM_001354900.2); c.5806T>A, p.Ser1936Thr (NM_001354901.2, NM_001407453.1); and 11 more; short protein forms S1712T, S1869T, S1936T, S1977T, S1611T, S1835T, S1894T, S1904T.
Identifiers: ClinVar variation 1750856 (VCV001750856.2), dbSNP rs2149954154, ClinGen allele CA16034427.
Genomic context (GRCh38, chr5:112,841,577, plus strand): 5'-ATTGACCAAGAAAACAACAATAAAGAAAATGAACCTATCAAAGAGACTGAGCCCCCTGAC[T>A]CACAGGGAGAACCAAGTAAACCTCAAGCATCAGGCTATGCTCCTAAATCATTTCATGTTG-3'
Protein context (NP_000029.2, residues 1985-2005): EPIKETEPPD[Ser1995Thr]QGEPSKPQAS